The following is an entry in ClinVar:

NM_000038.6(APC):c.2224del (p.Ile742fs)

Gene: APC (APC regulator of Wnt signaling pathway; plus strand). Cytogenetic location: 5q22.2.
Variant type: Deletion.
Coding change: c.2224del on transcript NM_000038.6 (MANE Select); coding-DNA position 2224, one base deleted (A; older notation c.2224delA).
Protein change: p.Ile742fs; shifts the reading frame from isoleucine 742.
Molecular consequence: frameshift variant. On other transcripts: non-coding transcript variant (2).
Genome position (GRCh38, 1-based): chr5:112,837,818, A deleted. VCF-style (leftmost placement, unchanged base first): chr5-112837817-TA-T. GRCh37 (hg19) VCF-style: chr5-112173514-TA-T.
Other names: c.2224del, p.Ile742fs (NM_001127510.3, NM_001354895.2, NM_001407450.1); c.2170del, p.Ile724fs (NM_001127511.3); c.2278del, p.Ile760fs (NM_001354896.2, NM_001407447.1, NM_001407448.1 and 1 more transcripts); c.2254del, p.Ile752fs (NM_001354897.2); c.2149del, p.Ile717fs (NM_001354898.2); c.2140del, p.Ile714fs (NM_001354899.2); c.2101del, p.Ile701fs (NM_001354900.2); c.2047del, p.Ile683fs (NM_001354901.2, NM_001407453.1); and 11 more; short protein forms I613fs, I659fs, I701fs, I732fs, I742fs, I358fs, I616fs, I683fs.
Identifiers: ClinVar variation 2854966 (VCV002854966.3), dbSNP rs2533405834, ClinGen allele CA2739274981.
Genomic context (GRCh38, chr5:112,837,817, plus strand): 5'-AAGTGCTGCAGCTTTAAGGAATCTCATGGCAAATAGGCCTGCGAAGTACAAGGATGCCAA[TA>T]TTATGTCTCCTGGCTCAAGCTTGCCATCTCTTCATGTTAGGAAACAAAAAGCCCTAGAAG-3'

ClinVar aggregate classification (germline): Pathogenic (1 of 4 stars; one submission).

Conditions:
Familial adenomatous polyposis 1 (FAP1). Also called: FAMILIAL ADENOMATOUS POLYPOSIS 1, ATTENUATED; POLYPOSIS, ADENOMATOUS INTESTINAL. Identifiers: MedGen C2713442, MONDO:0021056, OMIM 175100. Disease mechanism: loss of function.

Submission:

Labcorp Genetics (formerly Invitae), Labcorp
Classification: Pathogenic for Familial adenomatous polyposis 1. Last evaluated: 2023-07-07. Review status: criteria provided, single submitter. Criteria: Invitae Variant Classification Sherloc (09022015). Collection method: clinical testing. Allele origin: germline.
Comment: This sequence change creates a premature translational stop signal (p.Ile742Leufs*19) in the APC gene. While this is not anticipated to result in nonsense mediated decay, it is expected to disrupt the last 2102 amino acid(s) of the APC protein. This variant is not present in population databases (gnomAD no frequency). This variant has not been reported in the literature in individuals affected with APC-related conditions. A different truncation (p.Tyr2645Lysfs*14) that lies downstream of this variant has been determined to be pathogenic (PMID: 9824584, 1316610, 27081525, 8381579, 22135120, Invitae). This suggests that deletion of this region of the APC protein is causative of disease. For these reasons, this variant has been classified as Pathogenic. This variant is expected to disrupt the EB1 and HDLG binding sites, which mediate interactions with the cytoskeleton (PMID: 15311282, 17293347). While functional studies have not been performed to directly test the effect on APC protein function, this suggests that disruption of the C-terminal portion of the protein is functionally important.

Literature cited by the submitters: PubMed 9824584; PubMed 1316610; PubMed 27081525; PubMed 8381579; PubMed 22135120; PubMed 15311282; PubMed 17293347.